The following is an entry in ClinVar:

NM_021222.3(PRUNE1):c.394C>T (p.Pro132Ser)

Gene: PRUNE1 (prune exopolyphosphatase 1; plus strand). Cytogenetic location: 1q21.3.
Variant type: single nucleotide variant.
Coding change: c.394C>T on transcript NM_021222.3 (MANE Select); coding-DNA position 394, C replaced by T.
Protein change: p.Pro132Ser; replaces proline 132 with serine.
Molecular consequence: missense variant. On other transcripts: 5 prime UTR variant (1), intron variant (1).
Genome position (GRCh38, 1-based): chr1:151,024,669, C>T. VCF-style: chr1-151024669-C-T. GRCh37 (hg19) VCF-style: chr1-150997145-C-T.
Other names: c.-153C>T (NM_001303229.2); c.394C>T, p.Pro132Ser (NM_001303242.2); c.77-2564C>T (NM_001303243.2); short protein forms P132S.
Identifiers: ClinVar variation 2759089 (VCV002759089.3), dbSNP rs1040739380, ClinGen allele CA341904682.

ClinVar aggregate classification (germline): Uncertain significance (1 of 4 stars; one submission).

Submission:

Labcorp Genetics (formerly Invitae), Labcorp
Classification: Uncertain significance. Last evaluated: 2024-01-30. Review status: criteria provided, single submitter. Criteria: Invitae Variant Classification Sherloc (09022015). Collection method: clinical testing. Allele origin: germline.
Comment: This sequence change replaces proline, which is neutral and non-polar, with serine, which is neutral and polar, at codon 132 of the PRUNE1 protein (p.Pro132Ser). This variant is not present in population databases (gnomAD no frequency). This variant has not been reported in the literature in individuals affected with PRUNE1-related conditions. Advanced modeling of protein sequence and biophysical properties (such as structural, functional, and spatial information, amino acid conservation, physicochemical variation, residue mobility, and thermodynamic stability) performed at Invitae indicates that this missense variant is not expected to disrupt PRUNE1 protein function with a negative predictive value of 80%. In summary, the available evidence is currently insufficient to determine the role of this variant in disease. Therefore, it has been classified as a Variant of Uncertain Significance.